The following is an entry in ClinVar:

NM_000465.4(BARD1):c.673G>A (p.Glu225Lys)

Gene: BARD1 (BRCA1 associated RING domain 1; minus strand). Cytogenetic location: 2q35.
Variant type: single nucleotide variant.
Coding change: c.673G>A on transcript NM_000465.4 (MANE Select); coding-DNA position 673, G replaced by A.
Protein change: p.Glu225Lys; replaces glutamic acid 225 with lysine.
Molecular consequence: missense variant. On other transcripts: non-coding transcript variant (2), intron variant (3).
Genome position (GRCh38, 1-based): chr2:214,781,201, C>T on the plus strand (G>A on the coding strand, the complement: BARD1 is on the minus strand). VCF-style: chr2-214781201-C-T. GRCh37 (hg19) VCF-style: chr2-215645925-C-T.
Other names: c.616G>A, p.Glu206Lys (NM_001282543.2); c.158+28211G>A (NM_001282548.2); c.215+15860G>A (NM_001282545.2); c.364+11096G>A (NM_001282549.2); short protein forms E206K, E225K.
Identifiers: ClinVar variation 826592 (VCV000826592.14), dbSNP rs1064793049, ClinGen allele CA350456477.
Genomic context (GRCh38, chr2:214,781,201, plus strand): 5'-GGCTACAGAAGGATACCAGCTTTTGCTTAGATTCCTCTTTGGAGTCAAATTCACCATCTT[C>T]TTTTTCTGCCTCTAAATTCCATTTTTGGTTGATTTCAGCTAAAGTTTTCTTTTTTTGCTT-3'
Protein context (NP_000456.2, residues 215-235): NQKWNLEAEK[Glu225Lys]DGEFDSKEES

ClinVar aggregate classification (germline): Uncertain significance. Review status: criteria provided, multiple submitters, no conflicts (2 of 4 stars). 2 submissions from 2 submitters: Uncertain significance (2). Last evaluated 2026-04-01.

Conditions:
Hereditary cancer-predisposing syndrome. Also called: Tumor predisposition; Neoplastic Syndromes, Hereditary; Hereditary neoplastic syndrome; Hereditary Cancer Syndrome. Identifiers: Orphanet 140162, MedGen C0027672, MeSH D009386, MONDO:0015356.
Familial cancer of breast. Also called: Hereditary breast cancer; BREAST CANCER, FAMILIAL; hereditary breast carcinoma. Identifiers: Orphanet 227535, MedGen C0346153, MONDO:0016419, OMIM 114480. Disease mechanism: loss of function.

Submissions (2):

Ambry Genetics
Classification: Uncertain significance for Hereditary cancer-predisposing syndrome. Last evaluated: 2026-04-01. Review status: criteria provided, single submitter. Criteria: Ambry Variant Classification Scheme 2023. Collection method: clinical testing. Allele origin: germline.

Labcorp Genetics (formerly Invitae), Labcorp
Classification: Uncertain significance for Familial cancer of breast. Last evaluated: 2021-07-23. Review status: criteria provided, single submitter. Criteria: Invitae Variant Classification Sherloc (09022015). Collection method: clinical testing. Allele origin: germline.
Comment: This variant is not present in population databases (ExAC no frequency). This sequence change replaces glutamic acid with lysine at codon 225 of the BARD1 protein (p.Glu225Lys). The glutamic acid residue is moderately conserved and there is a small physicochemical difference between glutamic acid and lysine. This variant has not been reported in the literature in individuals affected with BARD1-related conditions. In summary, the available evidence is currently insufficient to determine the role of this variant in disease. Therefore, it has been classified as a Variant of Uncertain Significance. Algorithms developed to predict the effect of missense changes on protein structure and function output the following: SIFT: "Tolerated"; PolyPhen-2: "Benign"; Align-GVGD: "Class C0". The lysine amino acid residue is found in multiple mammalian species, which suggests that this missense change does not adversely affect protein function. ClinVar contains an entry for this variant (Variation ID: 826592).